The following is an entry in ClinVar:

ClinVar aggregate classification (germline): Uncertain significance (1 of 4 stars; one submission).

gnomAD v4.1: 9 of 1,613,794 alleles (0.00056%); highest among the groups gnomAD compares: Non-Finnish European, 0.00076%; no homozygotes.

Submission:

GeneDx
Classification: Uncertain significance. Last evaluated: 2024-12-11. Review status: criteria provided, single submitter. Criteria: GeneDx Variant Classification Process June 2021. Collection method: clinical testing. Allele origin: germline. Affected: yes.
Comment: Not observed at significant frequency in large population cohorts (gnomAD); In silico analysis indicates that this missense variant does not alter protein structure/function; Has not been previously published as pathogenic or benign to our knowledge; This substitution is predicted to be within the C-terminal cytoplasmic domain

NM_001040142.2(SCN2A):c.5643G>C (p.Glu1881Asp)

Gene: SCN2A (sodium voltage-gated channel alpha subunit 2; plus strand). Cytogenetic location: 2q24.3.
Variant type: single nucleotide variant.
Coding change: c.5643G>C on transcript NM_001040142.2 (MANE Select); coding-DNA position 5643, G replaced by C.
Protein change: p.Glu1881Asp; replaces glutamic acid 1881 with aspartic acid.
Molecular consequence: missense variant.
Genome position (GRCh38, 1-based): chr2:165,389,449, G>C. VCF-style: chr2-165389449-G-C. GRCh37 (hg19) VCF-style: chr2-166245959-G-C.
Other names: c.5643G>C, p.Glu1881Asp (NM_001040143.2, NM_001371246.1, NM_001371247.1 and 1 more transcripts); short protein forms E1881D.
Identifiers: ClinVar variation 3903350 (VCV003903350.1).